The following is an entry in ClinVar:

ClinVar aggregate classification (germline): Conflicting classifications of pathogenicity. Review status: criteria provided, conflicting classifications (1 of 4 stars). 2 submissions from 2 submitters: Uncertain significance (1); Likely benign (1). Last evaluated 2024-08-11.

Conditions:
Hereditary hemorrhagic telangiectasia (HHT). Also called: ORW DISEASE; Osler Weber Rendu syndrome; OSLER-RENDU-WEBER DISEASE; Osler hemorrhagic telangiectasia syndrome. Identifiers: Orphanet 774, MedGen C0039445, MONDO:0019180. Disease mechanism: loss of function.

gnomAD v4.1: 15 of 1,614,048 alleles (0.00093%); highest among the groups gnomAD compares: African/African-American, 0.0027%; no homozygotes.

Submissions (2):

Labcorp Genetics (formerly Invitae), Labcorp
Classification: Likely benign for Hereditary hemorrhagic telangiectasia. Last evaluated: 2024-08-11. Review status: criteria provided, single submitter. Criteria: Invitae Variant Classification Sherloc (09022015). Collection method: clinical testing. Allele origin: germline.

CeGaT Center for Human Genetics Tuebingen
Classification: Uncertain significance. Last evaluated: 2024-07-01. Review status: criteria provided, single submitter. Criteria: CeGaT Center For Human Genetics Tuebingen Variant Classification Criteria Version 2. Collection method: clinical testing. Allele origin: germline. Affected: yes. Observed: 1 variant allele.
Comment: ENG: PM2, BP4

NM_001114753.3(ENG):c.1583C>T (p.Pro528Leu)

Genes: ENG (endoglin; minus strand), LOC102723566 (uncharacterized LOC102723566; plus strand). Cytogenetic location: 9q34.11.
Variant type: single nucleotide variant.
Coding change: c.1583C>T on transcript NM_001114753.3 (MANE Select); coding-DNA position 1583, C replaced by T.
Protein change: p.Pro528Leu; replaces proline 528 with leucine.
Molecular consequence: missense variant.
Genome position (GRCh38, 1-based): chr9:127,818,223, G>A on the plus strand (C>T on the coding strand, the complement: ENG is on the minus strand). VCF-style: chr9-127818223-G-A. GRCh37 (hg19) VCF-style: chr9-130580502-G-A.
Other names: c.1037C>T, p.Pro346Leu (NM_001278138.2); c.1583C>T, p.Pro528Leu (NM_000118.4); short protein forms P346L, P528L.
Identifiers: ClinVar variation 3256967 (VCV003256967.19).